The following is an entry in ClinVar:

NM_003242.6(TGFBR2):c.148C>G (p.Leu50Val)

Gene: TGFBR2 (transforming growth factor beta receptor 2; plus strand). Cytogenetic location: 3p24.1.
Variant type: single nucleotide variant.
Coding change: c.148C>G on transcript NM_003242.6 (MANE Select); coding-DNA position 148, C replaced by G.
Protein change: p.Leu50Val; replaces leucine 50 with valine.
Molecular consequence: missense variant.
Genome position (GRCh38, 1-based): chr3:30,644,800, C>G. VCF-style: chr3-30644800-C-G. GRCh37 (hg19) VCF-style: chr3-30686292-C-G.
Other names: c.223C>G, p.Leu75Val (NM_001407139.1, NM_001024847.3, NM_001407126.1); c.148C>G, p.Leu50Val (NM_001407127.1, NM_001407130.1); c.175C>G, p.Leu59Val (NM_001407128.1); c.43C>G, p.Leu15Val (NM_001407129.1, NM_001407132.1, NM_001407133.1 and 3 more transcripts); short protein forms L75V, L50V, L15V, L59V.
Identifiers: ClinVar variation 835852 (VCV000835852.7), dbSNP rs1698701049, ClinGen allele CA351806406.
Genomic context (GRCh38, chr3:30,644,800, plus strand): 5'-TCCTCAGTTAATAACGACATGATAGTCACTGACAACAACGGTGCAGTCAAGTTTCCACAA[C>G]TGTGTAAATTTTGTGATGTGAGATTTTCCACCTGTGACAACCAGAAATCCTGCATGAGCA-3'
Protein context (NP_003233.4, residues 40-60): DNNGAVKFPQ[Leu50Val]CKFCDVRFST

ClinVar aggregate classification (germline): Uncertain significance/Uncertain risk allele. Review status: criteria provided, multiple submitters, no conflicts (2 of 4 stars). 4 submissions from 4 submitters: Uncertain significance (3); Uncertain risk allele (1). Last evaluated 2024-08-06.

Conditions:
Familial thoracic aortic aneurysm and aortic dissection (TAAD). Also called: Thoracic aortic aneurysms and dissections. Identifiers: Orphanet 91387, MedGen C4707243, MONDO:0019625.
Diabetic retinopathy. Identifiers: MedGen C0011884, MONDO:0005266.
Loeys-Dietz syndrome 2 (LDS2). Also called: Marfan Syndrome type 2; Marfan like connective tissue disorder; MFS 2; TGFBR2-Related Loeys-Dietz Syndrome; AORTIC ANEURYSM, FAMILIAL THORACIC 3; MARFAN SYNDROME, TYPE II. Identifiers: Orphanet 284973, Orphanet 558, MedGen C2674574, MONDO:0012427, OMIM 610168.

gnomAD v4.1: 17 of 1,614,136 alleles (0.0011%); highest among the groups gnomAD compares: Non-Finnish European, 0.0014%; no homozygotes.

Submissions (4):

All of Us Research Program, National Institutes of Health
Classification: Uncertain significance for Loeys-Dietz syndrome 2. Last evaluated: 2024-08-06. Review status: criteria provided, single submitter. Criteria: ACMG Guidelines, 2015. Collection method: clinical testing. Allele origin: germline. Inheritance: Autosomal dominant inheritance. Observed: 3 variant alleles, 3 heterozygotes.
Comment: This missense variant replaces leucine with valine at codon 50 of the TGFBR2 protein. Computational prediction suggests that this variant may not impact protein structure and function (internally defined REVEL score threshold <= 0.5, PMID: 27666373). To our knowledge, functional studies have not been reported for this variant. This variant has not been reported in individuals affected with TGFBR2-related disorders in the literature. This variant has not been identified in the general population by the Genome Aggregation Database (gnomAD). The available evidence is insufficient to determine the role of this variant in disease conclusively. Therefore, this variant is classified as a Variant of Uncertain Significance.

This study involves interpretation of variants in research participants for the purpose of population health screening. Participant phenotype was not available at the time of variant classification. Additional details can be found in publication PMID: 35346344, PMCID: PMC8962531

Ambry Genetics
Classification: Uncertain significance for Familial thoracic aortic aneurysm and aortic dissection. Last evaluated: 2022-01-05. Review status: criteria provided, single submitter. Criteria: Ambry Variant Classification Scheme 2023. Collection method: clinical testing. Allele origin: germline.
Comment: The p.L50V variant (also known as c.148C>G), located in coding exon 2 of the TGFBR2 gene, results from a C to G substitution at nucleotide position 148. The leucine at codon 50 is replaced by valine, an amino acid with highly similar properties. This amino acid position is conserved. In addition, the in silico prediction for this alteration is inconclusive. Since supporting evidence is limited at this time, the clinical significance of this alteration remains unclear.

Labcorp Genetics (formerly Invitae), Labcorp
Classification: Uncertain significance for Familial thoracic aortic aneurysm and aortic dissection. Last evaluated: 2021-09-01. Review status: criteria provided, single submitter. Criteria: Invitae Variant Classification Sherloc (09022015). Collection method: clinical testing. Allele origin: germline.
Comment: This sequence change replaces leucine with valine at codon 50 of the TGFBR2 protein (p.Leu50Val). The leucine residue is highly conserved and there is a small physicochemical difference between leucine and valine. This variant is not present in population databases (ExAC no frequency). This variant has not been reported in the literature in individuals affected with TGFBR2-related conditions. Algorithms developed to predict the effect of missense changes on protein structure and function (SIFT, PolyPhen-2, Align-GVGD) all suggest that this variant is likely to be disruptive. Algorithms developed to predict the effect of sequence changes on RNA splicing suggest that this variant may create or strengthen a splice site. In summary, the available evidence is currently insufficient to determine the role of this variant in disease. Therefore, it has been classified as a Variant of Uncertain Significance.

Clinical Genomics, Uppaluri K&H Personalized Medicine Clinic
Classification: Uncertain risk allele for Diabetic retinopathy. Review status: criteria provided, single submitter. Criteria: K And H Uppaluri Personalized Medicine Clinic Variant Classification And Assertion Criteria Updated V 2. Collection method: research. Allele origin: unknown.
Comment: Potent mutations in TGFBR2 gene encodes the transforming growth factor that have been associated with angiogenesis and diabetic retinopathy. More clinical studies are needed for stronger association. However, more evidence is required to confer the association of this particular variant rs1698701049 with diabetic retinopathy.

Literature cited by the submitters: PubMed 30222965 (cited by Clinical Genomics, Uppaluri K&H Personalized Medicine Clinic); PubMed 28162229 (cited by Clinical Genomics, Uppaluri K&H Personalized Medicine Clinic); PubMed 34572573 (cited by Clinical Genomics, Uppaluri K&H Personalized Medicine Clinic).